The following is an entry in ClinVar:

ClinVar aggregate classification (germline): Uncertain significance (1 of 4 stars; one submission).

Conditions:
Wilms tumor 1 (WT1). Also called: Wilms tumor, somatic. Identifiers: Orphanet 654, MedGen CN033288, MONDO:0008679, OMIM 194070.

Submission:

Labcorp Genetics (formerly Invitae), Labcorp
Classification: Uncertain significance for Wilms tumor 1. Last evaluated: 2024-10-18. Review status: criteria provided, single submitter. Criteria: Invitae Variant Classification Sherloc (09022015). Collection method: clinical testing. Allele origin: germline.
Comment: This sequence change replaces tyrosine, which is neutral and polar, with cysteine, which is neutral and slightly polar, at codon 134 of the GPC3 protein (p.Tyr134Cys). This variant is not present in population databases (gnomAD no frequency). This variant has not been reported in the literature in individuals affected with GPC3-related conditions. Invitae Evidence Modeling of protein sequence and biophysical properties (such as structural, functional, and spatial information, amino acid conservation, physicochemical variation, residue mobility, and thermodynamic stability) indicates that this missense variant is expected to disrupt GPC3 protein function with a positive predictive value of 80%. In summary, the available evidence is currently insufficient to determine the role of this variant in disease. Therefore, it has been classified as a Variant of Uncertain Significance.

NM_004484.4(GPC3):c.401A>G (p.Tyr134Cys)

Gene: GPC3 (glypican 3; minus strand). Cytogenetic location: Xq26.2.
Variant type: single nucleotide variant.
Coding change: c.401A>G on transcript NM_004484.4 (MANE Select); coding-DNA position 401, A replaced by G.
Protein change: p.Tyr134Cys; replaces tyrosine 134 with cysteine.
Molecular consequence: missense variant.
Genome position (GRCh38, 1-based): chrX:133,754,113, T>C on the plus strand (A>G on the coding strand, the complement: GPC3 is on the minus strand). VCF-style: chrX-133754113-T-C. GRCh37 (hg19) VCF-style: chrX-132888140-T-C.
Other names: c.353A>G, p.Tyr118Cys (NM_001164618.2); c.239A>G, p.Tyr80Cys (NM_001164619.2); c.401A>G, p.Tyr134Cys (NM_001164617.2); short protein forms Y118C, Y134C, Y80C.
Identifiers: ClinVar variation 3611133 (VCV003611133.2).